The following is an entry in ClinVar:

ClinVar aggregate classification (germline): Uncertain significance (1 of 4 stars; one submission).

Allele frequency attached by ClinVar (database versions not stated): gnomAD exomes below 0.00001; TOPMed below 0.00001.
gnomAD v4.1: 3 of 1,592,698 alleles (0.00019%); highest among the groups gnomAD compares: Non-Finnish European, 0.00026%; no homozygotes.

Submission:

GeneDx
Classification: Uncertain significance. Last evaluated: 2025-10-30. Review status: criteria provided, single submitter. Criteria: GeneDx Variant Classification Process June 2021. Collection method: clinical testing. Allele origin: germline. Affected: yes.
Comment: Not observed at significant frequency in large population cohorts (gnomAD); In silico analysis supports that this missense variant has a deleterious effect on protein structure/function; Has not been previously published as pathogenic or benign to our knowledge

NM_197968.4(ZMYM2):c.1718A>C (p.Lys573Thr)

Gene: ZMYM2 (zinc finger MYM-type containing 2; plus strand). Cytogenetic location: 13q12.11.
Variant type: single nucleotide variant.
Coding change: c.1718A>C on transcript NM_197968.4 (MANE Select); coding-DNA position 1718, A replaced by C.
Protein change: p.Lys573Thr; replaces lysine 573 with threonine.
Molecular consequence: missense variant. On other transcripts: non-coding transcript variant (1).
Genome position (GRCh38, 1-based): chr13:20,026,745, A>C. VCF-style: chr13-20026745-A-C. GRCh37 (hg19) VCF-style: chr13-20600885-A-C.
Other names: c.1718A>C, p.Lys573Thr (NM_001353159.2, NM_001353162.3, NM_001353164.2 and 5 more transcripts); c.1523A>C, p.Lys508Thr (NM_001353161.3); c.1457A>C, p.Lys486Thr (NM_001353163.2); short protein forms K486T, K508T, K573T.
Identifiers: ClinVar variation 2504219 (VCV002504219.2), dbSNP rs1482543366, ClinGen allele CA387672493.